The following is an entry in ClinVar:

NM_203395.3(IYD):c.687+1260C>T

Gene: IYD (iodotyrosine deiodinase; plus strand). Cytogenetic location: 6q25.1.
Variant type: single nucleotide variant.
Coding change: c.687+1260C>T on transcript NM_203395.3 (MANE Select); 1260 bases into the intron after coding-DNA position 687, C replaced by T.
Molecular consequence: intron variant. On other transcripts: missense variant (1), non-coding transcript variant (1).
Genome position (GRCh38, 1-based): chr6:150,395,515, C>T. VCF-style: chr6-150395515-C-T. GRCh37 (hg19) VCF-style: chr6-150716651-C-T.
Other names: c.748C>T, p.Pro250Ser (NM_001164694.2); c.*4+61C>T (NM_001164695.2); c.441+1260C>T (NM_001318495.2); short protein forms P250S.
Identifiers: ClinVar variation 3042692 (VCV003042692.2), dbSNP rs75380096, ClinGen allele CA4047107.

ClinVar aggregate classification (germline): Likely benign (0 of 4 stars; one submission).

Conditions:
IYD-related disorder. Also called: IYD-related condition.

Allele frequency attached by ClinVar (database versions not stated): gnomAD exomes 0.00012; ExAC 0.00046; 1000 Genomes Project 30x 0.00094; 1000 Genomes Project 0.00100; ESP Exome Variant Server 0.00131; gnomAD 0.00151; TOPMed 0.00195.
gnomAD v4.1: 412 of 1,537,312 alleles (0.027%); highest among the groups gnomAD compares: African/African-American, 0.47%; no homozygotes.

Submission:

PreventionGenetics, part of Exact Sciences
Classification: Likely benign for IYD-related condition. Last evaluated: 2024-01-04. Review status: no assertion criteria provided. Collection method: clinical testing. Allele origin: germline.
Comment: This variant is classified as likely benign based on ACMG/AMP sequence variant interpretation guidelines (Richards et al. 2015 PMID: 25741868, with internal and published modifications).